The following is an entry in ClinVar:

ClinVar aggregate classification (germline): Likely benign. Review status: criteria provided, single submitter (1 of 4 stars). 2 submissions from 2 submitters: Likely benign (1). 1 of the submissions does not count toward it. Last evaluated 2024-10-31.

Conditions:
SERPINF2-related disorder. Also called: SERPINF2-related condition.

Allele frequency attached by ClinVar (database versions not stated): 1000 Genomes Project 30x 0.00016; ExAC 0.00019; 1000 Genomes Project 0.00020; gnomAD 0.00027; ESP Exome Variant Server 0.00031; TOPMed 0.00032.
gnomAD v4.1: 345 of 1,613,238 alleles (0.021%); highest among the groups gnomAD compares: Middle Eastern, 0.12%; 1 homozygote.

Submissions (2):

Blueprint Genetics
Classification: Likely benign. Last evaluated: 2024-10-31. Review status: criteria provided, single submitter. Criteria: ACMG Guidelines, 2015. Collection method: clinical testing. Allele origin: germline.

PreventionGenetics, part of Exact Sciences
Classification: Likely benign for SERPINF2-related condition. Last evaluated: 2019-09-19. Review status: no assertion criteria provided. Collection method: clinical testing. Allele origin: germline. Not counted in ClinVar's aggregate classification.
Comment: This variant is classified as likely benign based on ACMG/AMP sequence variant interpretation guidelines (Richards et al. 2015 PMID: 25741868, with internal and published modifications).

NM_000934.4(SERPINF2):c.103-5C>T

Gene: SERPINF2 (serpin family F member 2; plus strand). Cytogenetic location: 17p13.3.
Variant type: single nucleotide variant.
Coding change: c.103-5C>T on transcript NM_000934.4 (MANE Select); 5 bases into the intron before coding-DNA position 103, C replaced by T.
Molecular consequence: intron variant.
Genome position (GRCh38, 1-based): chr17:1,745,328, C>T. VCF-style: chr17-1745328-C-T. GRCh37 (hg19) VCF-style: chr17-1648622-C-T.
Other names: c.103-5C>T (NM_001165921.2, NM_001165920.1).
Identifiers: ClinVar variation 3039899 (VCV003039899.3), dbSNP rs201339551, ClinGen allele CA8274075.